The following is an entry in ClinVar:

ClinVar aggregate classification (germline): Pathogenic/Likely pathogenic. Review status: criteria provided, multiple submitters, no conflicts (2 of 4 stars). 2 submissions from 2 submitters: Pathogenic (1); Likely pathogenic (1). Last evaluated 2025-08-15.

Conditions:
Niemann-Pick disease, type C1. Also called: NEUROVISCERAL STORAGE DISEASE WITH VERTICAL SUPRANUCLEAR OPHTHALMOPLEGIA; NIEMANN-PICK DISEASE WITH CHOLESTEROL ESTERIFICATION BLOCK; NIEMANN-PICK DISEASE WITHOUT SPHINGOMYELINASE DEFICIENCY; NIEMANN-PICK DISEASE, CHRONIC NEURONOPATHIC FORM; NIEMANN-PICK DISEASE, VARIANT TYPE C1. Identifiers: Orphanet 646, MedGen C3179455, MONDO:0009757, OMIM 257220.

Submissions (2):

Natera, Inc.
Classification: Pathogenic for Niemann-Pick disease type C1. Last evaluated: 2025-08-15. Review status: criteria provided, single submitter. Criteria: Natera Variant Classification Schema (03/2026). Collection method: clinical testing. Allele origin: germline.
Comment: The c.2246-2A>G variant in NPC1 is a canonical splice acceptor site variant predicted to affect pre-mRNA splicing, which may result in an abnormal transcript and altered protein product. This variant is expected to result in nonsense mediated decay, truncation, or a dysfunctional protein product. This variant is rare in the general population with a frequency below the threshold expected for the associated phenotype(s). This variant has been observed in one or more individuals affected with the associated recessive disease, as either homozygous or compound heterozygous with a second variant (PMID: 27193329). Given the available evidence, this variant is classified as Pathogenic.

Labcorp Genetics (formerly Invitae), Labcorp
Classification: Likely pathogenic for Niemann-Pick disease, type C1. Last evaluated: 2024-05-20. Review status: criteria provided, single submitter. Criteria: Invitae Variant Classification Sherloc (09022015). Collection method: clinical testing. Allele origin: germline.
Comment: This sequence change affects an acceptor splice site in intron 14 of the NPC1 gene. It is expected to disrupt RNA splicing. Variants that disrupt the donor or acceptor splice site typically lead to a loss of protein function (PMID: 16199547), and loss-of-function variants in NPC1 are known to be pathogenic (PMID: 9211850). This variant is not present in population databases (gnomAD no frequency). Disruption of this splice site has been observed in individual(s) with Niemann-Pick disease type C (PMID: 12955717). This variant is also known as IVS14-2A>G. Algorithms developed to predict the effect of sequence changes on RNA splicing suggest that this variant may disrupt the consensus splice site. In summary, the currently available evidence indicates that the variant is pathogenic, but additional data are needed to prove that conclusively. Therefore, this variant has been classified as Likely Pathogenic.

Literature cited by the submitters: PubMed 27193329 (cited by Natera, Inc.); PubMed 16199547 (cited by Labcorp Genetics (formerly Invitae), Labcorp); PubMed 9211850 (cited by Labcorp Genetics (formerly Invitae), Labcorp); PubMed 12955717 (cited by Labcorp Genetics (formerly Invitae), Labcorp).

NM_000271.5(NPC1):c.2246-2A>G

Gene: NPC1 (NPC intracellular cholesterol transporter 1; minus strand). Cytogenetic location: 18q11.2.
Variant type: single nucleotide variant.
Coding change: c.2246-2A>G on transcript NM_000271.5 (MANE Select); the canonical splice acceptor site of the intron before coding-DNA position 2246, A replaced by G.
Molecular consequence: splice acceptor variant.
Genome position (GRCh38, 1-based): chr18:23,541,435, T>C on the plus strand (A>G on the coding strand, the complement: NPC1 is on the minus strand). VCF-style: chr18-23541435-T-C. GRCh37 (hg19) VCF-style: chr18-21121399-T-C.
Identifiers: ClinVar variation 3723093 (VCV003723093.3), dbSNP rs2058712401.